The following is an entry in ClinVar:

ClinVar aggregate classification (germline): Uncertain significance. Review status: criteria provided, multiple submitters, no conflicts (2 of 4 stars). 3 submissions from 3 submitters: Uncertain significance (3). Last evaluated 2024-06-28.

Conditions:
Adams-Oliver syndrome 5 (AOS5). Identifiers: Orphanet 974, MedGen C4014970, MONDO:0014459, OMIM 616028.
Familial thoracic aortic aneurysm and aortic dissection (TAAD). Also called: Thoracic aortic aneurysms and dissections. Identifiers: Orphanet 91387, MedGen C4707243, MONDO:0019625.

Allele frequency attached by ClinVar (database versions not stated): gnomAD exomes below 0.00001; gnomAD 0.00001; TOPMed 0.00001.
gnomAD v4.1: 2 of 1,598,542 alleles (0.00013%); highest among the groups gnomAD compares: Non-Finnish European, 0.00017%; no homozygotes.

Submissions (3):

Ambry Genetics
Classification: Uncertain significance for Familial thoracic aortic aneurysm and aortic dissection. Last evaluated: 2024-06-28. Review status: criteria provided, single submitter. Criteria: Ambry Variant Classification Scheme 2023. Collection method: clinical testing. Allele origin: germline.
Comment: The p.P167S variant (also known as c.499C>T), located in coding exon 4 of the NOTCH1 gene, results from a C to T substitution at nucleotide position 499. The proline at codon 167 is replaced by serine, an amino acid with similar properties. This amino acid position is conserved. In addition, the in silico prediction for this alteration is inconclusive. Based on the available evidence, the clinical significance of this variant remains unclear.

CeGaT Center for Human Genetics Tuebingen
Classification: Uncertain significance. Last evaluated: 2023-08-01. Review status: criteria provided, single submitter. Criteria: CeGaT Center For Human Genetics Tuebingen Variant Classification Criteria Version 2. Collection method: clinical testing. Allele origin: germline. Affected: yes. Observed: 1 variant allele.
Comment: NOTCH1: PM2

Labcorp Genetics (formerly Invitae), Labcorp
Classification: Uncertain significance for Adams-Oliver syndrome 5. Last evaluated: 2022-12-03. Review status: criteria provided, single submitter. Criteria: Invitae Variant Classification Sherloc (09022015). Collection method: clinical testing. Allele origin: germline.
Comment: This sequence change replaces proline, which is neutral and non-polar, with serine, which is neutral and polar, at codon 167 of the NOTCH1 protein (p.Pro167Ser). This variant is not present in population databases (gnomAD no frequency). This variant has not been reported in the literature in individuals affected with NOTCH1-related conditions. ClinVar contains an entry for this variant (Variation ID: 1053846). Advanced modeling of protein sequence and biophysical properties (such as structural, functional, and spatial information, amino acid conservation, physicochemical variation, residue mobility, and thermodynamic stability) performed at Invitae indicates that this missense variant is not expected to disrupt NOTCH1 protein function. In summary, the available evidence is currently insufficient to determine the role of this variant in disease. Therefore, it has been classified as a Variant of Uncertain Significance.

NM_017617.5(NOTCH1):c.499C>T (p.Pro167Ser)

Gene: NOTCH1 (notch receptor 1; minus strand). Cytogenetic location: 9q34.3.
Variant type: single nucleotide variant.
Coding change: c.499C>T on transcript NM_017617.5 (MANE Select); coding-DNA position 499, C replaced by T.
Protein change: p.Pro167Ser; replaces proline 167 with serine.
Molecular consequence: missense variant.
Genome position (GRCh38, 1-based): chr9:136,523,093, G>A on the plus strand (C>T on the coding strand, the complement: NOTCH1 is on the minus strand). VCF-style: chr9-136523093-G-A. GRCh37 (hg19) VCF-style: chr9-139417545-G-A.
Other names: c.499C>T (NM_017617.3); short protein forms P167S.
Identifiers: ClinVar variation 1053846 (VCV001053846.32), dbSNP rs1439038323, ClinGen allele CA375570871.